The following is an entry in ClinVar:

NM_021961.6(TEAD1):c.779G>A (p.Arg260His)

Gene: TEAD1 (TEA domain transcription factor 1; plus strand). Cytogenetic location: 11p15.3.
Variant type: single nucleotide variant.
Coding change: c.779G>A on transcript NM_021961.6 (MANE Select); coding-DNA position 779, G replaced by A.
Protein change: p.Arg260His; replaces arginine 260 with histidine.
Molecular consequence: missense variant.
Genome position (GRCh38, 1-based): chr11:12,902,019, G>A. VCF-style: chr11-12902019-G-A. GRCh37 (hg19) VCF-style: chr11-12923566-G-A.
Other names: short protein forms R260H.
Identifiers: ClinVar variation 1487436 (VCV001487436.8), dbSNP rs765934753, ClinGen allele CA5891739.
Genomic context (GRCh38, chr11:12,902,019, plus strand): 5'-TGCACATTGGGCATGCCAACCATTCTTACAGTGACCCATTGCTTGAATCAGTGGACATTC[G>A]TCAGATTTATGACAAATTTCCTGAAAAGAAAGGTGGCTTAAAGGAACTGTTTGGAAAGGG-3'
Protein context (NP_068780.2, residues 250-270): SDPLLESVDI[Arg260His]QIYDKFPEKK

ClinVar aggregate classification (germline): Uncertain significance (1 of 4 stars; one submission).

Allele frequency attached by ClinVar (database versions not stated): ExAC 0.00002; gnomAD 0.00002; gnomAD exomes 0.00002; TOPMed 0.00002.
gnomAD v4.1: 21 of 1,614,076 alleles (0.0013%); highest among the groups gnomAD compares: Admixed American, 0.0033%; no homozygotes.

Submission:

Labcorp Genetics (formerly Invitae), Labcorp
Classification: Uncertain significance. Last evaluated: 2023-03-10. Review status: criteria provided, single submitter. Criteria: Invitae Variant Classification Sherloc (09022015). Collection method: clinical testing. Allele origin: germline.
Comment: This sequence change replaces arginine, which is basic and polar, with histidine, which is basic and polar, at codon 260 of the TEAD1 protein (p.Arg260His). This variant is present in population databases (rs765934753, gnomAD 0.004%). This variant has not been reported in the literature in individuals affected with TEAD1-related conditions. ClinVar contains an entry for this variant (Variation ID: 1487436). Advanced modeling of protein sequence and biophysical properties (such as structural, functional, and spatial information, amino acid conservation, physicochemical variation, residue mobility, and thermodynamic stability) performed at Invitae indicates that this missense variant is not expected to disrupt TEAD1 protein function. In summary, the available evidence is currently insufficient to determine the role of this variant in disease. Therefore, it has been classified as a Variant of Uncertain Significance.